The following is an entry in ClinVar:

ClinVar aggregate classification (germline): Uncertain significance (1 of 4 stars; one submission).

Allele frequency attached by ClinVar (database versions not stated): gnomAD exomes below 0.00001 and 0.00001.
gnomAD v4.1: 3 of 1,613,880 alleles (0.00019%); highest among the groups gnomAD compares: East Asian, 0.0045%; no homozygotes.

Submission:

GeneDx
Classification: Uncertain significance. Last evaluated: 2016-12-12. Review status: criteria provided, single submitter. Criteria: GeneDx Variant Classification (06012015). Collection method: clinical testing. Allele origin: germline. Affected: yes.
Comment: The T304N variant in the PTDSS1 gene has not been reported previously as a pathogenic variant, nor as a benign variant, to our knowledge. The T304N variant was not observed in approximately 6500 individuals of European and African American ancestry in the NHLBI Exome Sequencing Project, indicating it is not a common benign variant in these populations. The T304N variant is a conservative amino acid substitution, which is not likely to impact secondary protein structure as these residues share similar properties. However, this substitution occurs at a position that is conserved across species, and in silico analysis predicts this variant is probably damaging to the protein structure/function. We interpret T304N as a variant of uncertain significance.

NM_014754.3(PTDSS1):c.911C>A (p.Thr304Asn)

Gene: PTDSS1 (phosphatidylserine synthase 1; plus strand). Cytogenetic location: 8q22.1.
Variant type: single nucleotide variant.
Coding change: c.911C>A on transcript NM_014754.3 (MANE Select); coding-DNA position 911, C replaced by A.
Protein change: p.Thr304Asn; replaces threonine 304 with asparagine.
Molecular consequence: missense variant.
Genome position (GRCh38, 1-based): chr8:96,306,460, C>A. VCF-style: chr8-96306460-C-A. GRCh37 (hg19) VCF-style: chr8-97318688-C-A.
Other names: c.473C>A, p.Thr158Asn (NM_001290225.2); short protein forms T304N, T158N.
Identifiers: ClinVar variation 373602 (VCV000373602.1), dbSNP rs762544416, ClinGen allele CA16042746.
Genomic context (GRCh38, chr8:96,306,460, plus strand): 5'-TTAGCATGAGGTACCAGGTTGACTAATTTCTCCGTCTTTTTCAGCTGACTGAGTTGAATA[C>A]CTTCTTCTTGAAGCATATCTTTGTGTTCCAAGCCAGTCATCCATTAAGTTGGGGTAGAAT-3'
Protein context (NP_055569.1, residues 294-314): MIIWQLTELN[Thr304Asn]FFLKHIFVFQ